The following is an entry in ClinVar:

NC_000023.10:g.(?_31745485)_(31986651_?)del

Gene: DMD (dystrophin; minus strand). Cytogenetic location: Xp21.1.
Variant type: Deletion.
Identifiers: ClinVar variation 3248181 (VCV003248181.1).

ClinVar aggregate classification (germline): Pathogenic (1 of 4 stars; one submission).

Conditions:
Duchenne muscular dystrophy (DMD). Also called: MUSCULAR DYSTROPHY, PSEUDOHYPERTROPHIC PROGRESSIVE, DUCHENNE TYPE; Duchenne Muscular Dystrophy (DMD). Identifiers: Orphanet 98896, MedGen C0013264, MONDO:0010679, OMIM 310200.

Submission:

Labcorp Genetics (formerly Invitae), Labcorp
Classification: Pathogenic for Duchenne muscular dystrophy. Last evaluated: 2024-01-08. Review status: criteria provided, single submitter. Criteria: Invitae Variant Classification Sherloc (09022015). Collection method: clinical testing. Allele origin: unknown.
Comment: This variant is a gross deletion of the genomic region encompassing exon(s) 45-52 of the DMD gene. This deletion is out-of-frame, and is expected to create a premature termination codon and result in an absent or disrupted protein product. Loss-of-function variants in DMD are known to be pathogenic (PMID: 16770791, 25007885). A similar copy number variant has been observed in individuals with Duchenne muscular dystrophy (PMID: 23299919, 25244321, 26911353). For these reasons, this variant has been classified as Pathogenic.

Literature cited by the submitters: PubMed 16770791; PubMed 25007885; PubMed 23299919; PubMed 25244321; PubMed 26911353.